The following is an entry in ClinVar:

ClinVar aggregate classification (germline): Uncertain significance (1 of 4 stars; one submission).

gnomAD v4.1: 1 of 1,612,628 alleles (0.000062%); highest among the groups gnomAD compares: Non-Finnish European, 0.000085%; no homozygotes.

Submission:

Ambry Genetics
Classification: Uncertain significance. Last evaluated: 2025-07-21. Review status: criteria provided, single submitter. Criteria: Ambry Variant Classification Scheme 2023. Collection method: clinical testing. Allele origin: germline.
Comment: The p.T875I variant (also known as c.2624C>T), located in coding exon 11 of the WNK2 gene, results from a C to T substitution at nucleotide position 2624. The threonine at codon 875 is replaced by isoleucine, an amino acid with similar properties. This amino acid position is conserved. In addition, this alteration is predicted to be tolerated by in silico analysis. Based on the available evidence, the clinical significance of this variant remains unclear.

NM_006648.4(WNK2):c.2624C>T (p.Thr875Ile)

Gene: WNK2 (WNK lysine deficient protein kinase 2; plus strand). Cytogenetic location: 9q22.31.
Variant type: single nucleotide variant.
Coding change: c.2624C>T on transcript NM_006648.4 (MANE Select); coding-DNA position 2624, C replaced by T.
Protein change: p.Thr875Ile; replaces threonine 875 with isoleucine.
Molecular consequence: missense variant.
Genome position (GRCh38, 1-based): chr9:93,259,172, C>T. VCF-style: chr9-93259172-C-T. GRCh37 (hg19) VCF-style: chr9-96021454-C-T.
Other names: c.2624C>T, p.Thr875Ile (NM_001282394.3); short protein forms T875I.
Identifiers: ClinVar variation 3190627 (VCV003190627.2), dbSNP rs2540126043, ClinGen allele CA374056976.
Genomic context (GRCh38, chr9:93,259,172, plus strand): 5'-CTCTGCAGGCTGTGAAGCTGCCCCACCCCCCTGGGGCGCCCCTGGCCATGCCCTGCCGGA[C>T]CATTGTGCCAAATGCACCGGCCACTATCCCCCTGCTGGCCGTAGCCCCACCGGGCGTGGC-3'
Protein context (NP_006639.3, residues 865-885): PGAPLAMPCR[Thr875Ile]IVPNAPATIP